The following is an entry in ClinVar:

ClinVar aggregate classification (germline): Likely benign. Review status: criteria provided, multiple submitters, no conflicts (2 of 4 stars). 2 submissions from 2 submitters: Likely benign (2). Last evaluated 2026-06-01.

Allele frequency attached by ClinVar (database versions not stated): gnomAD 0.00003; gnomAD exomes 0.00003 and 0.00004; TOPMed 0.00003; ExAC 0.00005.
gnomAD v4.1: 51 of 1,613,874 alleles (0.0032%); highest among the groups gnomAD compares: Middle Eastern, 0.016%; no homozygotes.

Submissions (2):

CeGaT Center for Human Genetics Tuebingen
Classification: Likely benign. Last evaluated: 2026-06-01. Review status: criteria provided, single submitter. Criteria: CeGaT Center For Human Genetics Tuebingen Variant Classification Criteria Version 2. Collection method: clinical testing. Allele origin: germline. Affected: yes. Observed: 1 variant allele.
Comment: NSD2: BP4, BP7

Labcorp Genetics (formerly Invitae), Labcorp
Classification: Likely benign. Last evaluated: 2025-12-08. Review status: criteria provided, single submitter. Criteria: Invitae Variant Classification Sherloc (09022015). Collection method: clinical testing. Allele origin: germline.

NM_001042424.3(NSD2):c.807C>T (p.Asp269=)

Gene: NSD2 (nuclear receptor binding SET domain protein 2; plus strand). Cytogenetic location: 4p16.3.
Variant type: single nucleotide variant.
Coding change: c.807C>T on transcript NM_001042424.3 (MANE Select); coding-DNA position 807, C replaced by T.
Protein change: p.Asp269=; no amino-acid change (aspartic acid 269 retained).
Molecular consequence: synonymous variant.
Genome position (GRCh38, 1-based): chr4:1,916,917, C>T. VCF-style: chr4-1916917-C-T. GRCh37 (hg19) VCF-style: chr4-1918644-C-T.
Other names: c.807C>T, p.Asp269= (NM_007331.2, NM_133330.3, NM_133331.3 and 2 more transcripts).
Identifiers: ClinVar variation 792902 (VCV000792902.10), dbSNP rs767961646, ClinGen allele CA2811960.